The following is an entry in ClinVar:

NM_174936.4(PCSK9):c.1868C>T (p.Thr623Ile)

Gene: PCSK9 (proprotein convertase subtilisin/kexin type 9; plus strand). Cytogenetic location: 1p32.3.
Variant type: single nucleotide variant.
Coding change: c.1868C>T on transcript NM_174936.4 (MANE Select); coding-DNA position 1868, C replaced by T.
Protein change: p.Thr623Ile; replaces threonine 623 with isoleucine.
Molecular consequence: missense variant.
Genome position (GRCh38, 1-based): chr1:55,063,373, C>T. VCF-style: chr1-55063373-C-T. GRCh37 (hg19) VCF-style: chr1-55529046-C-T.
Other names: c.1991C>T, p.Thr664Ile (NM_001407240.1); c.1910C>T, p.Thr637Ile (NM_001407241.1); c.1871C>T, p.Thr624Ile (NM_001407242.1); c.1811C>T, p.Thr604Ile (NM_001407243.1); c.1694C>T, p.Thr565Ile (NM_001407244.1); c.1676C>T, p.Thr559Ile (NM_001407245.1); c.1493C>T, p.Thr498Ile (NM_001407246.1); c.1367C>T, p.Thr456Ile (NM_001407247.1); short protein forms T623I, T456I, T565I, T604I, T559I, T664I, T498I, T624I.
Identifiers: ClinVar variation 1332002 (VCV001332002.4), dbSNP rs192854667, ClinGen allele CA340480552.

ClinVar aggregate classification (germline): Uncertain significance (1 of 4 stars; one submission).

Conditions:
Familial hypercholesterolemia. Also called: Familial hypercholesterolaemia. Identifiers: MedGen C0020445, MONDO:0005439.

Submission:

Color Diagnostics, LLC DBA Color Health
Classification: Uncertain significance for Familial hypercholesterolemia. Last evaluated: 2024-03-07. Review status: criteria provided, single submitter. Criteria: ACMG Guidelines, 2015. Collection method: clinical testing. Allele origin: germline.
Comment: This missense variant replaces threonine with isoleucine at codon 623 of the PCSK9 protein. Computational prediction suggests that this variant may not impact protein structure and function (internally defined REVEL score threshold <= 0.5, PMID: 27666373). To our knowledge, functional studies have not been reported for this variant. This variant has not been reported in individuals affected with familial hypercholesterolemia in the literature. This variant has not been identified in the general population by the Genome Aggregation Database (gnomAD). The available evidence is insufficient to determine the role of this variant in disease conclusively. Therefore, this variant is classified as a Variant of Uncertain Significance.